The following is an entry in ClinVar:

ClinVar aggregate classification (germline): Pathogenic/Likely pathogenic. Review status: criteria provided, multiple submitters, no conflicts (2 of 4 stars). 3 submissions from 3 submitters: Pathogenic (1); Likely pathogenic (2). Last evaluated 2026-04-20.

Conditions:
Ectopia lentis 2, isolated, autosomal recessive (ECTOL2). Identifiers: Orphanet 1885, MedGen C3541474, MONDO:0009152, OMIM 225100.
Isolated ectopia lentis (ECTOL1). Identifiers: Orphanet 1885, MedGen C1851286, MONDO:0015998.

Allele frequency attached by ClinVar (database versions not stated): gnomAD 0.00001.
gnomAD v4.1: 8 of 1,613,320 alleles (0.0005%); highest among the groups gnomAD compares: Non-Finnish European, 0.00068%; no homozygotes.

Submissions (3):

Institute of Medical Genetics and Applied Genomics, University Hospital Tübingen
Classification: Likely pathogenic for Ectopia lentis 2, isolated, autosomal recessive. Last evaluated: 2026-04-20. Review status: criteria provided, single submitter. Criteria: ACMG Guidelines, 2015. Collection method: clinical testing. Allele origin: germline. Inheritance: Autosomal recessive inheritance. Affected: yes.

Labcorp Genetics (formerly Invitae), Labcorp
Classification: Pathogenic. Last evaluated: 2024-07-31. Review status: criteria provided, single submitter. Criteria: Invitae Variant Classification Sherloc (09022015). Collection method: clinical testing. Allele origin: germline.
Comment: This sequence change creates a premature translational stop signal (p.Ser571*) in the ADAMTSL4 gene. It is expected to result in an absent or disrupted protein product. Loss-of-function variants in ADAMTSL4 are known to be pathogenic (PMID: 20564469, 28642162). This variant is present in population databases (no rsID available, gnomAD 0.002%). This variant has not been reported in the literature in individuals affected with ADAMTSL4-related conditions. ClinVar contains an entry for this variant (Variation ID: 1120081). Algorithms developed to predict the effect of sequence changes on RNA splicing suggest that this variant may disrupt the consensus splice site. For these reasons, this variant has been classified as Pathogenic.

Laboratory for Molecular Medicine, Mass General Brigham Personalized Medicine
Classification: Likely pathogenic for Isolated ectopia lentis. Last evaluated: 2020-06-26. Review status: criteria provided, single submitter. Criteria: LMM Criteria. Collection method: clinical testing. Allele origin: germline. Inheritance: Autosomal recessive inheritance. Observed: 1 variant allele.
Comment: The p.Ser571X variant in ADAMTSL4 has not been reported in individuals with isolated ectopia lentis but has been identified in 0.002% (3/128836) of European chromosomes by gnomAD. This nonsense variant leads to a premature termination codon at position 571, which is predicted to lead to a truncated or absent protein. Biallelic loss of function of the ADAMTSL4 gene has been described as a cause of disease in autosomal recessive isolated ectopia lentis (Ahram 2009 PMID: 19200529, Chandra 2012 PMID: 22736615). In summary, although additional studies are required to fully establish its clinical significance, this variant meets criteria to be classified as likely pathogenic for autosomal recessive isolated ectopia lentis. ACMG/AMP Criteria applied: PM2, PVS1.

Literature cited by the submitters: PubMed 20564469 (cited by Labcorp Genetics (formerly Invitae), Labcorp); PubMed 28642162 (cited by Labcorp Genetics (formerly Invitae), Labcorp); PubMed 19200529 (cited by Laboratory for Molecular Medicine, Mass General Brigham Personalized Medicine); PubMed 22736615 (cited by Laboratory for Molecular Medicine, Mass General Brigham Personalized Medicine).

NM_019032.6(ADAMTSL4):c.1712C>A (p.Ser571Ter)

Genes: MIR4257 (microRNA 4257; plus strand), ADAMTSL4 (ADAMTS like 4; plus strand), ADAMTSL4-AS1 (ADAMTSL4 antisense RNA 1; minus strand), ADAMTSL4-AS2 (ADAMTSL4 antisense RNA 2; minus strand). Cytogenetic location: 1q21.2.
Variant type: single nucleotide variant.
Coding change: c.1712C>A on transcript NM_019032.6 (MANE Select); coding-DNA position 1712, C replaced by A.
Protein change: p.Ser571Ter; replaces serine 571 with a stop codon.
Molecular consequence: nonsense.
Genome position (GRCh38, 1-based): chr1:150,556,756, C>A. VCF-style: chr1-150556756-C-A. GRCh37 (hg19) VCF-style: chr1-150529232-C-A.
Other names: c.1781C>A, p.Ser594Ter (NM_001288607.2, NM_001288608.2); c.1712C>A, p.Ser571Ter (NM_001378596.1, NM_025008.5); short protein forms S571*, S594*.
Identifiers: ClinVar variation 1120081 (VCV001120081.8), dbSNP rs754125407, ClinGen allele CA342312862.
Genomic context (GRCh38, chr1:150,556,756, plus strand): 5'-GCGGGACCGTCTTTCGATATAACCGTCCTCCCAGGGAGGAGGGCAAAGGGGAGAGTCTGT[C>A]GGCTGAAGGCCCCACCACCCAGCCTGTGGATGTCTATGTGAGCCTGGGGCCAGGGGCAGC-3'